The following is an entry in ClinVar:

NM_001371623.1(TCOF1):c.2556G>T (p.Lys852Asn)

Gene: TCOF1 (treacle ribosome biogenesis factor 1; plus strand). Cytogenetic location: 5q32.
Variant type: single nucleotide variant.
Coding change: c.2556G>T on transcript NM_001371623.1 (MANE Select); coding-DNA position 2556, G replaced by T.
Protein change: p.Lys852Asn; replaces lysine 852 with asparagine.
Molecular consequence: missense variant.
Genome position (GRCh38, 1-based): chr5:150,379,306, G>T. VCF-style: chr5-150379306-G-T. GRCh37 (hg19) VCF-style: chr5-149758869-G-T.
Other names: c.2325G>T, p.Lys775Asn (NM_000356.4, NM_001135245.2); c.2556G>T, p.Lys852Asn (NM_001008657.3, NM_001135243.2, NM_001135244.2 and 1 more transcripts); short protein forms K775N, K852N.
Identifiers: ClinVar variation 1187995 (VCV001187995.2), dbSNP rs1423391395, ClinGen allele CA361758335.
Genomic context (GRCh38, chr5:150,379,306, plus strand): 5'-AAACCCCCAGAACAGTACCGTCTTGGCGAGGGGCCCAGCATCTGTGCCATCTGTGGGGAA[G>T]GCCGTGGCTACAGCAGCTCAGGCCCAGACAGGGCCAGAGGAGGACTCAGGGAGCAGTGAG-3'
Protein context (NP_001358552.1, residues 842-862): RGPASVPSVG[Lys852Asn]AVATAAQAQT

ClinVar aggregate classification (germline): Uncertain significance (1 of 4 stars; one submission).

Allele frequency attached by ClinVar (database versions not stated): TOPMed below 0.00001; gnomAD exomes below 0.00001.

Submission:

GeneDx
Classification: Uncertain significance. Last evaluated: 2020-12-18. Review status: criteria provided, single submitter. Criteria: GeneDx Variant Classification Process June 2021. Collection method: clinical testing. Allele origin: germline. Affected: yes.
Comment: In silico analysis supports that this missense variant has a deleterious effect on protein structure/function; Has not been previously published as pathogenic or benign to our knowledge